The following is an entry in ClinVar:

NM_002470.4(MYH3):c.1101G>C (p.Gln367His)

Gene: MYH3 (myosin heavy chain 3; minus strand). Cytogenetic location: 17p13.1.
Variant type: single nucleotide variant.
Coding change: c.1101G>C on transcript NM_002470.4 (MANE Select); coding-DNA position 1101, G replaced by C.
Protein change: p.Gln367His; replaces glutamine 367 with histidine.
Molecular consequence: missense variant.
Genome position (GRCh38, 1-based): chr17:10,645,747, C>G on the plus strand (G>C on the coding strand, the complement: MYH3 is on the minus strand). VCF-style: chr17-10645747-C-G. GRCh37 (hg19) VCF-style: chr17-10549064-C-G.
Other names: short protein forms Q367H.
Identifiers: ClinVar variation 4778170 (VCV004778170.1).

ClinVar aggregate classification (germline): Uncertain significance (1 of 4 stars; one submission).

Submission:

Labcorp Genetics (formerly Invitae), Labcorp
Classification: Uncertain significance. Last evaluated: 2025-09-20. Review status: criteria provided, single submitter. Criteria: Invitae Variant Classification Sherloc (09022015). Collection method: clinical testing. Allele origin: germline.
Comment: This sequence change replaces glutamine, which is neutral and polar, with histidine, which is basic and polar, at codon 367 of the MYH3 protein (p.Gln367His). This variant is not present in population databases (gnomAD no frequency). This variant has not been reported in the literature in individuals affected with MYH3-related conditions. Invitae Evidence Modeling of protein sequence and biophysical properties (such as structural, functional, and spatial information, amino acid conservation, physicochemical variation, residue mobility, and thermodynamic stability) has been performed for this missense variant. However, the output from this modeling did not meet the statistical confidence thresholds required to predict the impact of this variant on MYH3 protein function. In summary, the available evidence is currently insufficient to determine the role of this variant in disease. Therefore, it has been classified as a Variant of Uncertain Significance.